The following is an entry in ClinVar:

ClinVar aggregate classification (germline): Uncertain significance. Review status: criteria provided, multiple submitters, no conflicts (2 of 4 stars). 2 submissions from 2 submitters: Uncertain significance (2). Last evaluated 2025-12-23.

Conditions:
Hyperkalemic periodic paralysis. Also called: Familial hyperkalemic periodic paralysis; Gamstorp disease. Identifiers: Orphanet 682, MedGen C0238357, MONDO:0008224, OMIM 170500, HP:0007215.

Submissions (2):

Labcorp Genetics (formerly Invitae), Labcorp
Classification: Uncertain significance for Hyperkalemic periodic paralysis. Last evaluated: 2025-12-23. Review status: criteria provided, single submitter. Criteria: Invitae Variant Classification Sherloc (09022015). Collection method: clinical testing. Allele origin: germline.
Comment: This variant, c.2665_2667del, results in the deletion of 1 amino acid(s) of the SCN4A protein (p.Lys889del), but otherwise preserves the integrity of the reading frame. This variant is present in population databases (rs775415120, gnomAD 0.02%). This variant has been observed in individual(s) with autosomal dominant SCN4A-related conditions (internal data). ClinVar contains an entry for this variant (Variation ID: 1470901). Experimental studies and prediction algorithms are not available or were not evaluated, and the functional significance of this variant is currently unknown. In summary, the available evidence is currently insufficient to determine the role of this variant in disease. Therefore, it has been classified as a Variant of Uncertain Significance.

GeneDx
Classification: Uncertain significance. Last evaluated: 2023-05-25. Review status: criteria provided, single submitter. Criteria: GeneDx Variant Classification Process June 2021. Collection method: clinical testing. Allele origin: germline. Affected: yes.
Comment: In-frame deletion of 1 amino acid in a non-repeat region; In silico analysis supports a deleterious effect on protein structure/function; Has not been previously published as pathogenic or benign to our knowledge

NM_000334.4(SCN4A):c.2662AAG[1] (p.Lys889del)

Genes: GH-LCR (growth hormone locus control region; plus strand), SCN4A (sodium voltage-gated channel alpha subunit 4; minus strand). Cytogenetic location: 17q23.3.
Variant type: Microsatellite.
Coding change: c.2662AAG[1] on transcript NM_000334.4 (MANE Select); one copy of the 3-base unit AAG starting at c.2662; the reference has two copies in a row; one copy, 3 bases deleted; also written c.2665_2667del.
Protein change: p.Lys889del; deletes lysine 889.
Molecular consequence: inframe deletion.
Genome position (GRCh38, 1-based): chr17:63,951,610-63,951,612, CTT deleted on the plus strand (AAG on the coding strand, the reverse complement: SCN4A is on the minus strand); deleting any 3 consecutive bases within chr17:63,951,610-63,951,616 gives the same sequence; the position shown is the placement nearest the transcript's 3' end. VCF-style (leftmost placement, unchanged base first): chr17-63951609-CCTT-C. GRCh37 (hg19) VCF-style: chr17-62028969-CCTT-C.
Other names: c.2665_2667del (NM_000334.4); short protein forms K889del.
Identifiers: ClinVar variation 1470901 (VCV001470901.6), dbSNP rs775415120, ClinGen allele CA8709530.
Genomic context (GRCh38, chr17:63,951,609, plus strand): 5'-CCAGCTCGAGGCTGGATGGGGGGCCGTCAGCCAGGCCCATGTGGTTCAGGATGTGATTGT[CCTT>C]CTTCAGGTCCTCCTCGGGCGGCTCCTTCTTCTCATCCTCGGGGGCAGTCTCCCCCGCCTC-3'